The following is an entry in ClinVar:

ClinVar aggregate classification (germline): Uncertain significance. Review status: criteria provided, multiple submitters, no conflicts (2 of 4 stars). 2 submissions from 2 submitters: Uncertain significance (2). Last evaluated 2025-08-13.

Conditions:
Inborn genetic diseases. Identifiers: MedGen C0950123, MeSH D030342.

Allele frequency attached by ClinVar (database versions not stated): ExAC 0.00001; gnomAD 0.00002.
gnomAD v4.1: 49 of 1,601,608 alleles (0.0031%); highest among the groups gnomAD compares: Non-Finnish European, 0.004%; no homozygotes.

Submissions (2):

Ambry Genetics
Classification: Uncertain significance for Inborn genetic diseases. Last evaluated: 2025-08-13. Review status: criteria provided, single submitter. Criteria: Ambry Variant Classification Scheme 2023. Collection method: clinical testing. Allele origin: germline.

GeneDx
Classification: Uncertain significance. Last evaluated: 2022-09-28. Review status: criteria provided, single submitter. Criteria: GeneDx Variant Classification Process June 2021. Collection method: clinical testing. Allele origin: germline. Affected: yes.
Comment: Not observed at significant frequency in large population cohorts (gnomAD); In silico analysis supports that this missense variant has a deleterious effect on protein structure/function; Has not been previously published as pathogenic or benign to our knowledge

NM_138295.5(PKD1L1):c.6938A>G (p.Asn2313Ser)

Gene: PKD1L1 (polycystin 1 like 1, transient receptor potential channel interacting; minus strand). Cytogenetic location: 7p12.3.
Variant type: single nucleotide variant.
Coding change: c.6938A>G on transcript NM_138295.5 (MANE Select); coding-DNA position 6938, A replaced by G.
Protein change: p.Asn2313Ser; replaces asparagine 2313 with serine.
Molecular consequence: missense variant.
Genome position (GRCh38, 1-based): chr7:47,821,103, T>C on the plus strand (A>G on the coding strand, the complement: PKD1L1 is on the minus strand). VCF-style: chr7-47821103-T-C. GRCh37 (hg19) VCF-style: chr7-47860701-T-C.
Other names: short protein forms N2313S.
Identifiers: ClinVar variation 2446619 (VCV002446619.2), dbSNP rs757413273, ClinGen allele CA4252270.